The following is an entry in ClinVar:

ClinVar aggregate classification (germline): Uncertain significance (1 of 4 stars; one submission).

Allele frequency attached by ClinVar (database versions not stated): gnomAD exomes below 0.00001.
gnomAD v4.1: 1 of 1,613,764 alleles (0.000062%); highest among the groups gnomAD compares: South Asian, 0.0011%; no homozygotes.

Submission:

Labcorp Genetics (formerly Invitae), Labcorp
Classification: Uncertain significance. Last evaluated: 2022-12-14. Review status: criteria provided, single submitter. Criteria: Invitae Variant Classification Sherloc (09022015). Collection method: clinical testing. Allele origin: germline.
Comment: This sequence change replaces isoleucine, which is neutral and non-polar, with threonine, which is neutral and polar, at codon 669 of the GUCY2C protein (p.Ile669Thr). In summary, the available evidence is currently insufficient to determine the role of this variant in disease. Therefore, it has been classified as a Variant of Uncertain Significance. Advanced modeling of protein sequence and biophysical properties (such as structural, functional, and spatial information, amino acid conservation, physicochemical variation, residue mobility, and thermodynamic stability) performed at Invitae indicates that this missense variant is expected to disrupt GUCY2C protein function. This variant has not been reported in the literature in individuals affected with GUCY2C-related conditions. This variant is not present in population databases (gnomAD no frequency).

NM_004963.4(GUCY2C):c.2006T>C (p.Ile669Thr)

Gene: GUCY2C (guanylate cyclase 2C; minus strand). Cytogenetic location: 12p12.3.
Variant type: single nucleotide variant.
Coding change: c.2006T>C on transcript NM_004963.4 (MANE Select); coding-DNA position 2006, T replaced by C.
Protein change: p.Ile669Thr; replaces isoleucine 669 with threonine.
Molecular consequence: missense variant.
Genome position (GRCh38, 1-based): chr12:14,641,144, A>G on the plus strand (T>C on the coding strand, the complement: GUCY2C is on the minus strand). VCF-style: chr12-14641144-A-G. GRCh37 (hg19) VCF-style: chr12-14794078-A-G.
Other names: short protein forms I669T.
Identifiers: ClinVar variation 2820729 (VCV002820729.3), dbSNP rs2497681026, ClinGen allele CA383984057.